The following is an entry in ClinVar:

ClinVar aggregate classification (germline): Benign/Likely benign. Review status: criteria provided, multiple submitters, no conflicts (2 of 4 stars). 5 submissions from 5 submitters: Benign (3); Likely benign (2). Last evaluated 2026-10-01.

Conditions:
KLHL41-related disorder. Also called: KLHL41-related condition.
Nemaline myopathy 9 (NEM9). Identifiers: MedGen C3810384, MONDO:0014326, OMIM 615731.

Allele frequency attached by ClinVar (database versions not stated): ESP Exome Variant Server 0.00023; gnomAD 0.00096; TOPMed 0.00108; 1000 Genomes Project 0.00140; 1000 Genomes Project 30x 0.00141; ExAC 0.00204; gnomAD exomes 0.00272.

Submissions (5):

CeGaT Center for Human Genetics Tuebingen
Classification: Benign. Last evaluated: 2026-10-01. Review status: criteria provided, single submitter. Criteria: CeGaT Center For Human Genetics Tuebingen Variant Classification Criteria Version 2. Collection method: clinical testing. Allele origin: germline. Affected: yes. Observed: 4 variant alleles.
Comment: KLHL41: BS1, BS2

PreventionGenetics, part of Exact Sciences
Classification: Benign for KLHL41-related condition. Last evaluated: 2026-02-06. Review status: criteria provided, single submitter. Criteria: ACMG Guidelines, 2015. Collection method: clinical testing. Allele origin: germline.
Comment: This variant is classified as benign based on ACMG/AMP sequence variant interpretation guidelines (Richards et al. 2015 PMID: 25741868, with internal and published modifications).

Labcorp Genetics (formerly Invitae), Labcorp
Classification: Benign for Nemaline myopathy 9. Last evaluated: 2026-01-19. Review status: criteria provided, single submitter. Criteria: Invitae Variant Classification Sherloc (09022015). Collection method: clinical testing. Allele origin: germline.

GeneDx
Classification: Likely benign. Last evaluated: 2020-12-28. Review status: criteria provided, single submitter. Criteria: GeneDx Variant Classification Process June 2021. Collection method: clinical testing. Allele origin: germline. Affected: yes.

Breakthrough Genomics
Classification: Likely benign. Review status: criteria provided, single submitter. Criteria: ACMG Guidelines, 2015. Collection method: not provided. Allele origin: germline. Inheritance: Autosomal recessive inheritance. Affected: yes.

NM_006063.3(KLHL41):c.652G>A (p.Val218Met)

Gene: KLHL41 (kelch like family member 41; plus strand). Cytogenetic location: 2q31.1.
Variant type: single nucleotide variant.
Coding change: c.652G>A on transcript NM_006063.3 (MANE Select); coding-DNA position 652, G replaced by A.
Protein change: p.Val218Met; replaces valine 218 with methionine.
Molecular consequence: missense variant.
Genome position (GRCh38, 1-based): chr2:169,510,430, G>A. VCF-style: chr2-169510430-G-A. GRCh37 (hg19) VCF-style: chr2-170366940-G-A.
Other names: short protein forms V218M.
Identifiers: ClinVar variation 474874 (VCV000474874.21), dbSNP rs147527225, ClinGen allele CA1956534.